The following is an entry in ClinVar:

ClinVar aggregate classification (germline): Uncertain significance (1 of 4 stars; one submission).

Conditions:
Norman-Roberts syndrome (LIS2). Also called: Lissencephaly 2 (Norman-Roberts type). Identifiers: Orphanet 89844, MedGen C0796089, MONDO:0009760, OMIM 257320.
Familial temporal lobe epilepsy 7. Identifiers: Orphanet 101046, MedGen C4225327, MONDO:0014639, OMIM 616436.

gnomAD v4.1: 1 of 1,613,922 alleles (0.000062%); highest among the groups gnomAD compares: Non-Finnish European, 0.000085%; no homozygotes.

Submission:

Labcorp Genetics (formerly Invitae), Labcorp
Classification: Uncertain significance for Familial temporal lobe epilepsy 7; Norman-Roberts syndrome. Last evaluated: 2025-01-19. Review status: criteria provided, single submitter. Criteria: Invitae Variant Classification Sherloc (09022015). Collection method: clinical testing. Allele origin: germline.
Comment: This sequence change replaces threonine, which is neutral and polar, with isoleucine, which is neutral and non-polar, at codon 2988 of the RELN protein (p.Thr2988Ile). This variant is not present in population databases (gnomAD no frequency). This variant has not been reported in the literature in individuals affected with RELN-related conditions. Invitae Evidence Modeling of protein sequence and biophysical properties (such as structural, functional, and spatial information, amino acid conservation, physicochemical variation, residue mobility, and thermodynamic stability) indicates that this missense variant is not expected to disrupt RELN protein function with a negative predictive value of 80%. In summary, the available evidence is currently insufficient to determine the role of this variant in disease. Therefore, it has been classified as a Variant of Uncertain Significance.

NM_005045.4(RELN):c.8963C>T (p.Thr2988Ile)

Genes: SLC26A5-AS1 (SLC26A5 antisense RNA 1; plus strand), RELN (reelin; minus strand). Cytogenetic location: 7q22.1.
Variant type: single nucleotide variant.
Coding change: c.8963C>T on transcript NM_005045.4 (MANE Select); coding-DNA position 8963, C replaced by T.
Protein change: p.Thr2988Ile; replaces threonine 2988 with isoleucine.
Molecular consequence: missense variant.
Genome position (GRCh38, 1-based): chr7:103,496,756, G>A on the plus strand (C>T on the coding strand, the complement: RELN is on the minus strand). VCF-style: chr7-103496756-G-A. GRCh37 (hg19) VCF-style: chr7-103137203-G-A.
Other names: c.8963C>T, p.Thr2988Ile (NM_173054.3); short protein forms T2988I.
Identifiers: ClinVar variation 3758235 (VCV003758235.2).
Genomic context (GRCh38, chr7:103,496,756, plus strand): 5'-AGAAGTATGTAGTCGTGTCTAACAGAAATGTATTTCTGGTAATCCATCTCATGGAGCAAA[G>A]TCCAGGTAATTCCTATAATAACAAATATACCAACATAGCAATATATCTAGAATCTCCTGC-3'
Protein context (NP_005036.2, residues 2978-2998): DYSTDGGITW[Thr2988Ile]LLHEMDYQKY